The following is an entry in ClinVar:

NM_032119.4(ADGRV1):c.17454+10C>T

Gene: ADGRV1 (adhesion G protein-coupled receptor V1; plus strand). Cytogenetic location: 5q14.3.
Variant type: single nucleotide variant.
Coding change: c.17454+10C>T on transcript NM_032119.4 (MANE Select); 10 bases into the intron after coding-DNA position 17454, C replaced by T.
Molecular consequence: intron variant.
Genome position (GRCh38, 1-based): chr5:90,853,543, C>T. VCF-style: chr5-90853543-C-T. GRCh37 (hg19) VCF-style: chr5-90149360-C-T.
Identifiers: ClinVar variation 517323 (VCV000517323.5), dbSNP rs778501967, ClinGen allele CA3342364.

ClinVar aggregate classification (germline): Likely benign. Review status: criteria provided, multiple submitters, no conflicts (2 of 4 stars). 2 submissions from 2 submitters: Likely benign (2). Last evaluated 2020-08-18.

Allele frequency attached by ClinVar (database versions not stated): TOPMed below 0.00001; ExAC 0.00001; gnomAD exomes 0.00001.
gnomAD v4.1: 7 of 1,604,132 alleles (0.00044%); highest among the groups gnomAD compares: Non-Finnish European, 0.0006%; no homozygotes.

Submissions (2):

Blueprint Genetics
Classification: Likely benign. Last evaluated: 2020-08-18. Review status: criteria provided, single submitter. Criteria: ACMG Guidelines, 2015. Collection method: clinical testing. Allele origin: germline.

Laboratory for Molecular Medicine, Mass General Brigham Personalized Medicine
Classification: Likely benign. Last evaluated: 2017-04-20. Review status: criteria provided, single submitter. Criteria: LMM Criteria. Collection method: clinical testing. Allele origin: germline. Observed: 1 variant allele.
Comment: c.17454+10C>T in intron 80 of GPR98: This variant is not expected to have clinic al significance because it is not located within the splice consensus sequence. It has been identified in 1/50374 European chromosomes by the Exome Aggregation Consortium (ExAC; dbSNP rs778501967).